The following is an entry in ClinVar:

NM_002299.4(LCT):c.4809T>C (p.Ala1603=)

Gene: LCT (lactase; minus strand). Cytogenetic location: 2q21.3.
Variant type: single nucleotide variant.
Coding change: c.4809T>C on transcript NM_002299.4 (MANE Select); coding-DNA position 4809, T replaced by C.
Protein change: p.Ala1603=; no amino-acid change (alanine 1603 retained).
Molecular consequence: synonymous variant.
Genome position (GRCh38, 1-based): chr2:135,800,664, A>G on the plus strand (T>C on the coding strand, the complement: LCT is on the minus strand). VCF-style: chr2-135800664-A-G. GRCh37 (hg19) VCF-style: chr2-136558234-A-G.
Identifiers: ClinVar variation 3040133 (VCV003040133.2), dbSNP rs2467494622, ClinGen allele CA429086364.

ClinVar aggregate classification (germline): Likely benign (0 of 4 stars; one submission).

Conditions:
LCT-related disorder. Also called: LCT-related condition.

Submission:

PreventionGenetics, part of Exact Sciences
Classification: Likely benign for LCT-related condition. Last evaluated: 2019-09-17. Review status: no assertion criteria provided. Collection method: clinical testing. Allele origin: germline.
Comment: This variant is classified as likely benign based on ACMG/AMP sequence variant interpretation guidelines (Richards et al. 2015 PMID: 25741868, with internal and published modifications).